The following is an entry in ClinVar:

NM_212482.4(FN1):c.6089A>G (p.Lys2030Arg)

Gene: FN1 (fibronectin 1; minus strand). Cytogenetic location: 2q35.
Variant type: single nucleotide variant.
Coding change: c.6089A>G on transcript NM_212482.4 (MANE Select); coding-DNA position 6089, A replaced by G.
Protein change: p.Lys2030Arg; replaces lysine 2030 with arginine.
Molecular consequence: missense variant.
Genome position (GRCh38, 1-based): chr2:215,375,282, T>C on the plus strand (A>G on the coding strand, the complement: FN1 is on the minus strand). VCF-style: chr2-215375282-T-C. GRCh37 (hg19) VCF-style: chr2-216240005-T-C.
Other names: c.5819A>G, p.Lys1940Arg (NM_001365522.2, NM_001306130.2, NM_001365517.2 and 2 more transcripts); c.5816A>G, p.Lys1939Arg (NM_212478.3, NM_001365524.2, NM_002026.4 and 2 more transcripts); c.5546A>G, p.Lys1849Arg (NM_212474.3, NM_212476.3, NM_001365523.2 and 2 more transcripts); c.6089A>G, p.Lys2030Arg (NM_001306129.2); short protein forms K2030R, K1849R, K1939R, K1940R.
Identifiers: ClinVar variation 3646789 (VCV003646789.2).
Genomic context (GRCh38, chr2:215,375,282, plus strand): 5'-GTAGCCTCTGTGACACCAGGGCGGGGCCGAGGGACCACTTCTCTGGGAGGAGACCCAGGC[T>C]TCTCATACTTGATGATGTAGCCGGTAATCCTGGCACGTGGCGGCTGCCATGATACCAGCA-3'
Protein context (NP_997647.2, residues 2020-2040): RITGYIIKYE[Lys2030Arg]PGSPPREVVP

ClinVar aggregate classification (germline): Uncertain significance (1 of 4 stars; one submission).

Submission:

Labcorp Genetics (formerly Invitae), Labcorp
Classification: Uncertain significance. Last evaluated: 2024-03-26. Review status: criteria provided, single submitter. Criteria: Invitae Variant Classification Sherloc (09022015). Collection method: clinical testing. Allele origin: germline.
Comment: This sequence change replaces lysine, which is basic and polar, with arginine, which is basic and polar, at codon 2030 of the FN1 protein (p.Lys2030Arg). This variant is not present in population databases (gnomAD no frequency). This variant has not been reported in the literature in individuals affected with FN1-related conditions. An algorithm developed to predict the effect of missense changes on protein structure and function (PolyPhen-2) suggests that this variant is likely to be tolerated. In summary, the available evidence is currently insufficient to determine the role of this variant in disease. Therefore, it has been classified as a Variant of Uncertain Significance.